The following is an entry in ClinVar:

ClinVar aggregate classification (germline): Benign. Review status: criteria provided, multiple submitters, no conflicts (2 of 4 stars). 11 submissions from 11 submitters: Benign (9). 2 of the submissions do not count toward it. Last evaluated 2026-02-04.

Conditions:
Inborn genetic diseases. Identifiers: MedGen C0950123, MeSH D030342.
Developmental and epileptic encephalopathy 94 (DEE94). Also called: Epileptic encephalopathy, childhood-onset; CHD2-Related Neurodevelopmental Disorders. Identifiers: Orphanet 1942, Orphanet 2382, MedGen C3809278, MONDO:0014150, OMIM 615369.

Allele frequency attached by ClinVar (database versions not stated): ExAC 0.83525; gnomAD exomes 0.83866 and 0.84424; ESP Exome Variant Server 0.74765; gnomAD 0.75493 and 0.76515; TOPMed 0.76925; 1000 Genomes Project 30x 0.79794; 1000 Genomes Project 0.80911.
gnomAD v4.1: 1,342,351 of 1,613,670 alleles (83%); highest among the groups gnomAD compares: East Asian, 100%; 562,763 homozygotes.

Submissions (11):

Labcorp Genetics (formerly Invitae), Labcorp
Classification: Benign for Developmental and epileptic encephalopathy 94. Last evaluated: 2026-02-04. Review status: criteria provided, single submitter. Criteria: Invitae Variant Classification Sherloc (09022015). Collection method: clinical testing. Allele origin: germline.

Unidad de Genómica Garrahan, Hospital de Pediatría Garrahan
Classification: Benign. Last evaluated: 2024-07-15. Review status: criteria provided, single submitter. Criteria: ACMG Guidelines, 2015. Collection method: clinical testing. Allele origin: germline. Affected: no. Observed: 90 variant alleles.
Comment: This variant is classified as Benign based on local population frequency. This variant was detected in 97% of patients studied in a panel designed for Epileptic and Developmental Encephalopathy and Progressive Myoclonus Epilepsy. Number of patients: 90. Only high quality variants are reported.

Genome-Nilou Lab
Classification: Benign for Developmental and epileptic encephalopathy 94. Last evaluated: 2021-07-22. Review status: criteria provided, single submitter. Criteria: ACMG Guidelines, 2015. Collection method: clinical testing. Allele origin: germline. Affected: no.

Mayo Clinic Laboratories, Mayo Clinic
Classification: Benign. Last evaluated: 2018-04-02. Review status: criteria provided, single submitter. Criteria: ACMG Guidelines, 2015. Collection method: clinical testing. Allele origin: germline. Observed: 556 variant alleles.

Athena Diagnostics
Classification: Benign. Last evaluated: 2017-04-20. Review status: criteria provided, single submitter. Criteria: Athena Diagnostics Criteria. Collection method: clinical testing. Allele origin: germline.

Ambry Genetics
Classification: Benign for Inborn genetic diseases. Last evaluated: 2016-01-08. Review status: criteria provided, single submitter. Criteria: Ambry Variant Classification Scheme 2023. Collection method: clinical testing. Allele origin: germline.

GeneDx
Classification: Benign. Last evaluated: 2016-01-05. Review status: criteria provided, single submitter. Criteria: GeneDx Variant Classification (06012015). Collection method: clinical testing. Allele origin: germline. Affected: yes.
Comment: This variant is considered likely benign or benign based on one or more of the following criteria: it is a conservative change, it occurs at a poorly conserved position in the protein, it is predicted to be benign by multiple in silico algorithms, and/or has population frequency not consistent with disease.

Breakthrough Genomics
Classification: Benign. Review status: criteria provided, single submitter. Criteria: ACMG Guidelines, 2015. Collection method: not provided. Allele origin: germline. Inheritance: Autosomal dominant inheritance. Affected: yes.

PreventionGenetics, part of Exact Sciences
Classification: Benign. Review status: criteria provided, single submitter. Criteria: ACMG Guidelines, 2015. Collection method: clinical testing. Allele origin: germline.

Diagnostic Laboratory, Department of Genetics, University Medical Center Groningen
Classification: Benign. Review status: no assertion criteria provided. Collection method: clinical testing. Allele origin: germline. Affected: yes. Study: VKGL Data-share Consensus. Not counted in ClinVar's aggregate classification.

Genome Diagnostics Laboratory, University Medical Center Utrecht
Classification: Benign. Review status: no assertion criteria provided. Collection method: clinical testing. Allele origin: germline. Affected: yes. Study: VKGL Data-share Consensus. Not counted in ClinVar's aggregate classification.

NM_001271.4(CHD2):c.2718A>G (p.Gln906=)

Gene: CHD2 (chromodomain helicase DNA binding protein 2; plus strand). Cytogenetic location: 15q26.1.
Variant type: single nucleotide variant.
Coding change: c.2718A>G on transcript NM_001271.4 (MANE Select); coding-DNA position 2718, A replaced by G.
Protein change: p.Gln906=; no amino-acid change (glutamine 906 retained).
Molecular consequence: synonymous variant.
Genome position (GRCh38, 1-based): chr15:92,978,374, A>G. VCF-style: chr15-92978374-A-G. GRCh37 (hg19) VCF-style: chr15-93521604-A-G.
Other names: p.Gln906=.
Identifiers: ClinVar variation 257708 (VCV000257708.26), dbSNP rs11074121, ClinGen allele CA7748040.